The following is an entry in ClinVar:

NM_000026.4(ADSL):c.341A>C (p.Tyr114Ser)

Gene: ADSL (adenylosuccinate lyase; plus strand). Cytogenetic location: 22q13.1.
Variant type: single nucleotide variant.
Coding change: c.341A>C on transcript NM_000026.4 (MANE Select); coding-DNA position 341, A replaced by C.
Protein change: p.Tyr114Ser; replaces tyrosine 114 with serine.
Molecular consequence: missense variant. On other transcripts: non-coding transcript variant (1).
Genome position (GRCh38, 1-based): chr22:40,350,019, A>C. VCF-style: chr22-40350019-A-C. GRCh37 (hg19) VCF-style: chr22-40746023-A-C.
Other names: c.341A>C, p.Tyr114Ser (NM_001123378.3, NM_001363840.3); c.149A>C, p.Tyr50Ser (NM_001317923.2); short protein forms Y114S, Y50S.
Identifiers: ClinVar variation 1057572 (VCV001057572.10), dbSNP rs1035500320, ClinGen allele CA411635485.
Genomic context (GRCh38, chr22:40,350,019, plus strand): 5'-CATTTGGCCACTGCTGTCCAAAAGCTGCAGGCATTATTCACCTTGGTGCTACTTCTTGCT[A>C]TGTTGGAGACAATACTGTAGGCGCCTGTGTTGTTTATACTTAAAACTCAGTCTCTAGAAT-3'
Protein context (NP_000017.1, residues 104-124): GIIHLGATSC[Tyr114Ser]VGDNTDLIIL

ClinVar aggregate classification (germline): Likely pathogenic (1 of 4 stars; one submission).

Conditions:
Adenylosuccinate lyase deficiency (ADSLD). Also called: ADSL DEFICIENCY. Identifiers: Orphanet 46, MedGen C0268126, MONDO:0007068, OMIM 103050.

Submission:

Labcorp Genetics (formerly Invitae), Labcorp
Classification: Likely pathogenic for Adenylosuccinate lyase deficiency. Last evaluated: 2024-03-04. Review status: criteria provided, single submitter. Criteria: Invitae Variant Classification Sherloc (09022015). Collection method: clinical testing. Allele origin: germline.
Comment: This sequence change replaces tyrosine, which is neutral and polar, with serine, which is neutral and polar, at codon 114 of the ADSL protein (p.Tyr114Ser). This variant is not present in population databases (gnomAD no frequency). This variant has not been reported in the literature in individuals affected with ADSL-related conditions. ClinVar contains an entry for this variant (Variation ID: 1057572). Advanced modeling of protein sequence and biophysical properties (such as structural, functional, and spatial information, amino acid conservation, physicochemical variation, residue mobility, and thermodynamic stability) performed at Invitae indicates that this missense variant is expected to disrupt ADSL protein function with a positive predictive value of 80%. This variant disrupts the p.Tyr114 amino acid residue in ADSL. Other variant(s) that disrupt this residue have been determined to be pathogenic (PMID: 10888601, 18524658, 20127976, 22180458). This suggests that this residue is clinically significant, and that variants that disrupt this residue are likely to be disease-causing. In summary, the currently available evidence indicates that the variant is pathogenic, but additional data are needed to prove that conclusively. Therefore, this variant has been classified as Likely Pathogenic.

Literature cited by the submitters: PubMed 10888601; PubMed 18524658; PubMed 20127976; PubMed 22180458.